The following is an entry in ClinVar:

ClinVar aggregate classification (germline): Benign/Likely benign. Review status: criteria provided, multiple submitters, no conflicts (2 of 4 stars). 3 submissions from 3 submitters: Benign (1); Likely benign (2). Last evaluated 2026-01-12.

Conditions:
Tuberous sclerosis 2 (TSC2). Identifiers: Orphanet 805, MedGen C1860707, MONDO:0013199, OMIM 613254.

Allele frequency attached by ClinVar (database versions not stated): gnomAD 0.00001; TOPMed 0.00005.
gnomAD v4.1: 21 of 1,550,848 alleles (0.0014%); highest among the groups gnomAD compares: African/African-American, 0.0055%; no homozygotes.

Submissions (3):

Labcorp Genetics (formerly Invitae), Labcorp
Classification: Likely benign for Tuberous sclerosis 2. Last evaluated: 2026-01-12. Review status: criteria provided, single submitter. Criteria: Invitae Variant Classification Sherloc (09022015). Collection method: clinical testing. Allele origin: germline.

Myriad Genetics, Inc.
Classification: Benign for Tuberous sclerosis 2. Last evaluated: 2024-09-05. Review status: criteria provided, single submitter. Criteria: Myriad Autosomal Dominant, Autosomal Recessive and X-Linked Classification Criteria (2023). Collection method: clinical testing. Allele origin: unknown.
Comment: This variant is considered benign. This variant is intronic and is not expected to impact mRNA splicing. This variant has been observed at a population frequency that is significantly greater than expected given the associated disease prevalence and penetrance.

GeneDx
Classification: Likely benign. Last evaluated: 2016-08-11. Review status: criteria provided, single submitter. Criteria: GeneDx Variant Classification (06012015). Collection method: clinical testing. Allele origin: germline. Affected: yes.
Comment: This variant is considered likely benign or benign based on one or more of the following criteria: it is a conservative change, it occurs at a poorly conserved position in the protein, it is predicted to be benign by multiple in silico algorithms, and/or has population frequency not consistent with disease.

NM_000548.5(TSC2):c.775-17C>T

Gene: TSC2 (TSC complex subunit 2; plus strand). Cytogenetic location: 16p13.3.
Variant type: single nucleotide variant.
Coding change: c.775-17C>T on transcript NM_000548.5 (MANE Select); 17 bases into the intron before coding-DNA position 775, C replaced by T.
Molecular consequence: intron variant.
Genome position (GRCh38, 1-based): chr16:2,057,088, C>T. VCF-style: chr16-2057088-C-T. GRCh37 (hg19) VCF-style: chr16-2107089-C-T.
Other names: c.775-17C>T (NM_001114382.3, NM_021055.3, NM_001370405.1 and 3 more transcripts); c.664-17C>T (NM_001318827.2); c.175-17C>T (NM_001318831.2); c.628-17C>T (NM_001318829.2); c.808-17C>T (NM_001318832.2).
Identifiers: ClinVar variation 378772 (VCV000378772.9), dbSNP rs137854299, ClinGen allele CA056417.